The following is an entry in ClinVar:

ClinVar aggregate classification (germline): Uncertain significance (1 of 4 stars; one submission).

Submission:

Labcorp Genetics (formerly Invitae), Labcorp
Classification: Uncertain significance. Last evaluated: 2022-07-07. Review status: criteria provided, single submitter. Criteria: Invitae Variant Classification Sherloc (09022015). Collection method: clinical testing. Allele origin: germline.
Comment: Algorithms developed to predict the effect of missense changes on protein structure and function output the following: SIFT: "Deleterious"; PolyPhen-2: "Possibly Damaging"; Align-GVGD: "Class C0". The asparagine amino acid residue is found in multiple mammalian species, which suggests that this missense change does not adversely affect protein function. In summary, the available evidence is currently insufficient to determine the role of this variant in disease. Therefore, it has been classified as a Variant of Uncertain Significance. This variant has not been reported in the literature in individuals affected with SPEG-related conditions. This variant is not present in population databases (gnomAD no frequency). This sequence change replaces serine, which is neutral and polar, with asparagine, which is neutral and polar, at codon 2045 of the SPEG protein (p.Ser2045Asn).

NM_005876.5(SPEG):c.6134G>A (p.Ser2045Asn)

Genes: ASIC4-AS1 (ASIC4 antisense RNA 1; minus strand), SPEG (striated muscle enriched protein kinase; plus strand). Cytogenetic location: 2q35.
Variant type: single nucleotide variant.
Coding change: c.6134G>A on transcript NM_005876.5 (MANE Select); coding-DNA position 6134, G replaced by A.
Protein change: p.Ser2045Asn; replaces serine 2045 with asparagine.
Molecular consequence: missense variant.
Genome position (GRCh38, 1-based): chr2:219,483,597, G>A. VCF-style: chr2-219483597-G-A. GRCh37 (hg19) VCF-style: chr2-220348319-G-A.
Other names: short protein forms S2045N.
Identifiers: ClinVar variation 1970026 (VCV001970026.3), dbSNP rs1403465248, ClinGen allele CA350696792.